The following is an entry in ClinVar:

NM_016592.5(GNAS):c.415A>T (p.Thr139Ser)

Genes: GNAS (GNAS complex locus; plus strand), GNAS-AS1 (GNAS antisense RNA 1; minus strand). Cytogenetic location: 20q13.32.
Variant type: single nucleotide variant.
Coding change: c.415A>T on transcript NM_016592.5 (MANE Plus Clinical); coding-DNA position 415, A replaced by T.
Protein change: p.Thr139Ser; replaces threonine 139 with serine.
Molecular consequence: missense variant. On other transcripts: 5 prime UTR variant (1).
Genome position (GRCh38, 1-based): chr20:58,840,521, A>T. VCF-style: chr20-58840521-A-T. GRCh37 (hg19) VCF-style: chr20-57415576-A-T.
Other names: c.-323A>T (NM_001410912.1); short protein forms T139S.
Identifiers: ClinVar variation 3346132 (VCV003346132.1).
Genomic context (GRCh38, chr20:58,840,521, plus strand): 5'-ATCGAGTCCGAGACCGACTTCGAGACCGAGCCTGAGACCGCCCCCACCACTGAGCCCGAG[A>T]CCGAGCCTGAAGACGATCGCGGCCCGGTGGTGCCCAAGCACTCCACCTTCGGCCAGTCCC-3'
Protein context (NP_057676.1, residues 129-149): PETAPTTEPE[Thr139Ser]EPEDDRGPVV

ClinVar aggregate classification (germline): Uncertain significance (0 of 4 stars; one submission).

Conditions:
GNAS-related disorder. Identifiers: MedGen CN380105.

gnomAD v4.1: 1 of 1,613,448 alleles (0.000062%); highest among the groups gnomAD compares: Non-Finnish European, 0.000085%; no homozygotes.

Submission:

PreventionGenetics, part of Exact Sciences
Classification: Uncertain significance for GNAS-related condition. Last evaluated: 2024-08-08. Review status: no assertion criteria provided. Collection method: clinical testing. Allele origin: germline.
Comment: The GNAS c.415A>T variant is predicted to result in the amino acid substitution p.Thr139Ser. This variant can also be referred to as pre-coding variant c.-51206A>T using an alternative transcript (NM_000516). To our knowledge, this variant has not been reported in the literature or in a large population database, indicating this variant is rare. At this time, the clinical significance of this variant is uncertain due to the absence of conclusive functional and genetic evidence.